The following is an entry in ClinVar:

NM_001933.5(DLST):c.567G>T (p.Ser189=)

Gene: DLST (dihydrolipoamide S-succinyltransferase; plus strand). Cytogenetic location: 14q24.3.
Variant type: single nucleotide variant.
Coding change: c.567G>T on transcript NM_001933.5 (MANE Select); coding-DNA position 567, G replaced by T.
Protein change: p.Ser189=; no amino-acid change (serine 189 retained).
Molecular consequence: synonymous variant. On other transcripts: non-coding transcript variant (2).
Genome position (GRCh38, 1-based): chr14:74,892,958, G>T. VCF-style: chr14-74892958-G-T. GRCh37 (hg19) VCF-style: chr14-75359661-G-T.
Identifiers: ClinVar variation 3712700 (VCV003712700.2).

ClinVar aggregate classification (germline): Uncertain significance (1 of 4 stars; one submission).

gnomAD v4.1: 5 of 1,612,414 alleles (0.00031%); highest among the groups gnomAD compares: East Asian, 0.011%; no homozygotes.

Submission:

Labcorp Genetics (formerly Invitae), Labcorp
Classification: Uncertain significance. Last evaluated: 2024-08-07. Review status: criteria provided, single submitter. Criteria: Invitae Variant Classification Sherloc (09022015). Collection method: clinical testing. Allele origin: germline.
Comment: This sequence change affects codon 189 of the DLST mRNA. It is a 'silent' change, meaning that it does not change the encoded amino acid sequence of the DLST protein. This variant is present in population databases (rs780059278, gnomAD 0.03%). This variant has not been reported in the literature in individuals affected with DLST-related conditions. Experimental studies and prediction algorithms are not available or were not evaluated, and the effect of this variant on mRNA splicing is currently unknown. In summary, the available evidence is currently insufficient to determine the role of this variant in disease. Therefore, it has been classified as a Variant of Uncertain Significance.